The following is an entry in ClinVar:

ClinVar aggregate classification (germline): Likely benign. Review status: criteria provided, single submitter (1 of 4 stars). 2 submissions from 2 submitters: Likely benign (1). 1 of the submissions does not count toward it. Last evaluated 2023-10-09.

Conditions:
CEP290-related disorder. Also called: CEP290-related condition; CEP290-related disorders. Identifiers: MedGen CN239314.
Joubert syndrome. Also called: Familial aplasia of the vermis; CEREBELLOPARENCHYMAL DISORDER IV; JOUBERT-BOLTSHAUSER SYNDROME. Identifiers: Orphanet 475, MedGen C5979921, MONDO:0018772.
Meckel-Gruber syndrome. Also called: Dysencephalia splachnocystica; DYSENCEPHALIA SPLANCHNOCYSTICA; GRUBER SYNDROME. Identifiers: Orphanet 564, MedGen C0265215, MONDO:0018921.
Nephronophthisis. Also called: Juvenile Nephronophthisis. Identifiers: Orphanet 655, MedGen C0687120, MONDO:0019005, HP:0000090.

Allele frequency attached by ClinVar (database versions not stated): TOPMed below 0.00001.

Submissions (2):

Labcorp Genetics (formerly Invitae), Labcorp
Classification: Likely benign for Joubert syndrome; Meckel-Gruber syndrome; Nephronophthisis. Last evaluated: 2023-10-09. Review status: criteria provided, single submitter. Criteria: Invitae Variant Classification Sherloc (09022015). Collection method: clinical testing. Allele origin: germline.

PreventionGenetics, part of Exact Sciences
Classification: Likely benign for CEP290-related condition. Last evaluated: 2023-08-28. Review status: no assertion criteria provided. Collection method: clinical testing. Allele origin: germline. Not counted in ClinVar's aggregate classification.
Comment: This variant is classified as likely benign based on ACMG/AMP sequence variant interpretation guidelines (Richards et al. 2015 PMID: 25741868, with internal and published modifications).

NM_025114.4(CEP290):c.6141A>G (p.Ser2047=)

Gene: CEP290 (centrosomal protein 290; minus strand). Cytogenetic location: 12q21.32.
Variant type: single nucleotide variant.
Coding change: c.6141A>G on transcript NM_025114.4 (MANE Select); coding-DNA position 6141, A replaced by G.
Protein change: p.Ser2047=; no amino-acid change (serine 2047 retained).
Molecular consequence: synonymous variant.
Genome position (GRCh38, 1-based): chr12:88,064,110, T>C on the plus strand (A>G on the coding strand, the complement: CEP290 is on the minus strand). VCF-style: chr12-88064110-T-C. GRCh37 (hg19) VCF-style: chr12-88457887-T-C.
Other names: c.6141A>G (NM_025114.3).
Identifiers: ClinVar variation 1082681 (VCV001082681.11), dbSNP rs779553989, ClinGen allele CA6711552.